The following is an entry in ClinVar:

NM_000321.3(RB1):c.229_232del (p.Thr77fs)

Gene: RB1 (RB transcriptional corepressor 1; plus strand). Cytogenetic location: 13q14.2.
Variant type: Deletion.
Coding change: c.229_232del on transcript NM_000321.3 (MANE Select); coding-DNA positions 229 to 232, 4 bases deleted (ACTT; older notation c.229_232delACTT).
Protein change: p.Thr77fs; shifts the reading frame from threonine 77.
Molecular consequence: frameshift variant.
Genome position (GRCh38, 1-based): chr13:48,307,371-48,307,374, ACTT deleted. VCF-style (leftmost placement, unchanged base first): chr13-48307370-AACTT-A. GRCh37 (hg19) VCF-style: chr13-48881506-AACTT-A.
Other names: short protein forms T77fs.
Identifiers: ClinVar variation 1359582 (VCV001359582.6), dbSNP rs2138034389, ClinGen allele CA2573149567.

ClinVar aggregate classification (germline): Pathogenic (1 of 4 stars; one submission).

Conditions:
Retinoblastoma (RB1). Also called: RETINOBLASTOMA, SOMATIC. Identifiers: Orphanet 790, MedGen C0035335, MeSH D012175, MONDO:0008380, OMIM 180200, HP:0009919. Disease mechanism: loss of function. Inheritance: Both sporadic and heritable forms are tested..

Submission:

Labcorp Genetics (formerly Invitae), Labcorp
Classification: Pathogenic for Retinoblastoma. Last evaluated: 2021-05-03. Review status: criteria provided, single submitter. Criteria: Invitae Variant Classification Sherloc (09022015). Collection method: clinical testing. Allele origin: germline.
Comment: For these reasons, this variant has been classified as Pathogenic. This variant has not been reported in the literature in individuals with RB1-related conditions. This variant is not present in population databases (ExAC no frequency). This sequence change creates a premature translational stop signal (p.Thr77Glyfs*33) in the RB1 gene. It is expected to result in an absent or disrupted protein product. Loss-of-function variants in RB1 are known to be pathogenic (PMID: 17096365).

Literature cited by the submitters: PubMed 17096365.